The following is an entry in ClinVar:

ClinVar aggregate classification (germline): Uncertain significance (1 of 4 stars; one submission).

Submission:

GeneDx
Classification: Uncertain significance. Last evaluated: 2021-04-19. Review status: criteria provided, single submitter. Criteria: GeneDx Variant Classification Process June 2021. Collection method: clinical testing. Allele origin: germline. Affected: yes.
Comment: Not observed in large population cohorts (Lek et al., 2016); In silico analysis supports that this missense variant does not alter protein structure/function; Has not been previously published as pathogenic or benign to our knowledge

NM_018489.3(ASH1L):c.5555G>C (p.Arg1852Pro)

Gene: ASH1L (ASH1 like histone lysine methyltransferase; minus strand). Cytogenetic location: 1q22.
Variant type: single nucleotide variant.
Coding change: c.5555G>C on transcript NM_018489.3 (MANE Select); coding-DNA position 5555, G replaced by C.
Protein change: p.Arg1852Pro; replaces arginine 1852 with proline.
Molecular consequence: missense variant.
Genome position (GRCh38, 1-based): chr1:155,438,600, C>G on the plus strand (G>C on the coding strand, the complement: ASH1L is on the minus strand). VCF-style: chr1-155438600-C-G. GRCh37 (hg19) VCF-style: chr1-155408391-C-G.
Other names: c.5555G>C, p.Arg1852Pro (NM_001366177.2); short protein forms R1852P.
Identifiers: ClinVar variation 1316849 (VCV001316849.2), dbSNP rs1469393354, ClinGen allele CA342689149.
Genomic context (GRCh38, chr1:155,438,600, plus strand): 5'-AACTGAGCAGCCTGGAATGCTTGCATTGATACGACAGCCTGAAGGGGACATTTCCGAGGT[C>G]GACCTGGCCTACGTTTCACAAAGTTATTCCCTGTCCTGGCCTGCCTTTGAAGTTTTTTGG-3'
Protein context (NP_060959.2, residues 1842-1862): GNNFVKRRPG[Arg1852Pro]PRKCPLQAVV